The following is an entry in ClinVar:

NM_006517.5(SLC16A2):c.-1G>T

Gene: SLC16A2 (solute carrier family 16 member 2; plus strand). Cytogenetic location: Xq13.2.
Variant type: single nucleotide variant.
Coding change: c.-1G>T on transcript NM_006517.5 (MANE Select); 1 bases upstream of the start codon, G replaced by T.
Molecular consequence: 5 prime UTR variant.
Genome position (GRCh38, 1-based): chrX:74,421,637, G>T. VCF-style: chrX-74421637-G-T. GRCh37 (hg19) VCF-style: chrX-73641472-G-T.
Identifiers: ClinVar variation 5037339 (VCV005037339.1).

ClinVar aggregate classification (germline): Uncertain significance (1 of 4 stars; one submission).

Submission:

GeneDx
Classification: Uncertain significance. Last evaluated: 2026-04-21. Review status: criteria provided, single submitter. Criteria: GeneDx Variant Classification Process June 2021. Collection method: clinical testing. Allele origin: germline.
Comment: Located in a regulatory region; in the absence of functional studies, the actual effect of this sequence change is unknown; Located in a region that tolerates variation and lacks pathogenic variants; Not observed at significant frequency in large population cohorts (gnomAD); Has not been previously published as pathogenic or benign to our knowledge